The following is an entry in ClinVar:

Conditions:
Breast-ovarian cancer, familial, susceptibility to, 1 (BROVCA1). Also called: BRCA1 Hereditary Breast and Ovarian Cancer; OVARIAN CANCER, SUSCEPTIBILITY TO. Identifiers: Orphanet 145, MedGen C2676676, MONDO:0011450, OMIM 604370. Disease mechanism: loss of function.

Submission:

Brotman Baty Institute, University of Washington
No classification provided (evidence only). Condition: Breast-ovarian cancer, familial 1. Review status: no classification provided. Collection method: in vitro. Allele origin: not applicable. Functional consequence: functionally_normal.
ClinVar note: "not provided" was previously submitted as the classification for the variant. However, the classification appeared to be based only on an observation of functional data so it was converted to no classification on 2025-07-30.

NM_007294.4(BRCA1):c.5407-4C>T

Gene: BRCA1 (BRCA1 DNA repair associated; minus strand). Cytogenetic location: 17q21.31.
Variant type: single nucleotide variant.
Coding change: c.5407-4C>T on transcript NM_007294.4 (MANE Select); 4 bases into the intron before coding-DNA position 5407, C replaced by T.
Molecular consequence: intron variant.
Genome position (GRCh38, 1-based): chr17:43,047,707, G>A on the plus strand (C>T on the coding strand, the complement: BRCA1 is on the minus strand). VCF-style: chr17-43047707-G-A. GRCh37 (hg19) VCF-style: chr17-41199724-G-A.
Other names: c.1954-4C>T (NM_001408458.1, NM_001408461.1, NM_001408464.1 and 7 more transcripts); c.4516-4C>T (NM_001407967.1); c.5026-4C>T (NM_001407959.1); c.5140-4C>T (NM_001407931.1, NM_001407932.1, NM_001407928.1 and 4 more transcripts); c.5263-4C>T (NM_001407747.1, NM_001407745.1, NM_001407737.1 and 18 more transcripts); c.5023-4C>T (NM_001407962.1, NM_001407960.1); c.1594-4C>T (NM_001408512.1); c.1717-4C>T (NM_001408510.1); and 83 more.
Identifiers: ClinVar variation 865740 (VCV000865740.3), dbSNP rs876660347, ClinGen allele CA916080777.